The following is an entry in ClinVar:

ClinVar aggregate classification (germline): Benign. Review status: criteria provided, single submitter (1 of 4 stars). 2 submissions from 1 submitter: Benign (2). Last evaluated 2018-03-14.

Conditions:
Encephalopathy due to GLUT1 deficiency. Also called: GLUCOSE TRANSPORT DEFECT, BLOOD-BRAIN BARRIER; De Vivo disease; Glucose transporter protein syndrome; Classic Glucose Transporter Type 1 Deficiency Syndrome; GLUT1 deficiency syndrome 1; GLUT1 deficiency syndrome 1, infantile onset, severe. Identifiers: Orphanet 71277, MedGen C4551966, MONDO:0011724, OMIM 606777.
Dystonia 9 (DYT9). Also called: CHOREOATHETOSIS, KINESIGENIC, WITH EPISODIC ATAXIA AND SPASTICITY. Identifiers: Orphanet 53583, MedGen C1832855, MONDO:0010983, OMIM 601042.

Allele frequency attached by ClinVar (database versions not stated): gnomAD 0.00002 and 0.00003; gnomAD exomes 0.00002 and 0.00004; TOPMed 0.00002; 1000 Genomes Project 30x 0.00031; 1000 Genomes Project 0.00040.
gnomAD v4.1: 24 of 1,411,798 alleles (0.0017%); highest among the groups gnomAD compares: Non-Finnish European, 0.0022%; no homozygotes.

Submissions (2):

Illumina Laboratory Services, Illumina
Classification: Benign for Dystonia 9. Last evaluated: 2018-03-14. Review status: criteria provided, single submitter. Criteria: ICSL Variant Classification Criteria 13 December 2019. Collection method: clinical testing. Allele origin: germline.
Comment: This variant was observed in the ICSL laboratory as part of a predisposition screen in an ostensibly healthy population. It had not been previously curated by ICSL or reported in the Human Gene Mutation Database (HGMD: prior to June 1st, 2018), and was therefore a candidate for classification through an automated scoring system. Utilizing variant allele frequency, disease prevalence and penetrance estimates, and inheritance mode, an automated score was calculated to assess if this variant is too frequent to cause the disease. Based on the score and internal cut-off values, a variant classified as benign is not then subjected to further curation. The score for this variant resulted in a classification of benign for this disease.

Illumina Laboratory Services, Illumina
Classification: Benign for Encephalopathy due to GLUT1 deficiency. Last evaluated: 2018-03-14. Review status: criteria provided, single submitter. Criteria: ICSL Variant Classification Criteria 13 December 2019. Collection method: clinical testing. Allele origin: germline.
Comment: the same text as in the submission from Illumina Laboratory Services, Illumina above.

NM_006516.4(SLC2A1):c.*285C>T

Gene: SLC2A1 (solute carrier family 2 member 1; minus strand). Cytogenetic location: 1p34.2.
Variant type: single nucleotide variant.
Coding change: c.*285C>T on transcript NM_006516.4 (MANE Select); 285 bases downstream of the stop codon, C replaced by T.
Molecular consequence: 3 prime UTR variant.
Genome position (GRCh38, 1-based): chr1:42,926,756, G>A on the plus strand (C>T on the coding strand, the complement: SLC2A1 is on the minus strand). VCF-style: chr1-42926756-G-A. GRCh37 (hg19) VCF-style: chr1-43392427-G-A.
Identifiers: ClinVar variation 876719 (VCV000876719.4), dbSNP rs144947295, ClinGen allele CA21248611.